The following is an entry in ClinVar:

ClinVar aggregate classification (germline): Uncertain significance. Review status: criteria provided, multiple submitters, no conflicts (2 of 4 stars). 3 submissions from 3 submitters: Uncertain significance (3). Last evaluated 2024-03-06.

Conditions:
Hereditary nonpolyposis colorectal neoplasms. Identifiers: MedGen C0009405, MeSH D003123.
Hereditary cancer-predisposing syndrome. Also called: Tumor predisposition; Hereditary Cancer Syndrome; Neoplastic Syndromes, Hereditary; Hereditary neoplastic syndrome. Identifiers: Orphanet 140162, MedGen C0027672, MeSH D009386, MONDO:0015356.

Submissions (3):

Color Diagnostics, LLC DBA Color Health
Classification: Uncertain significance for Hereditary cancer-predisposing syndrome. Last evaluated: 2024-03-06. Review status: criteria provided, single submitter. Criteria: ACMG Guidelines, 2015. Collection method: clinical testing. Allele origin: germline.
Comment: This missense variant replaces tyrosine with cysteine at codon 1044 of the MSH6 protein. Computational prediction suggests that this variant may have deleterious impact on protein structure and function (internally defined REVEL score threshold >= 0.7, PMID: 27666373). To our knowledge, functional studies have not been reported for this variant. This variant has not been reported in individuals affected with MSH6-related disorders in the literature. This variant has not been identified in the general population by the Genome Aggregation Database (gnomAD). The available evidence is insufficient to determine the role of this variant in disease conclusively. Therefore, this variant is classified as a Variant of Uncertain Significance.

Labcorp Genetics (formerly Invitae), Labcorp
Classification: Uncertain significance for Hereditary nonpolyposis colorectal neoplasms. Last evaluated: 2024-01-04. Review status: criteria provided, single submitter. Criteria: Invitae Variant Classification Sherloc (09022015). Collection method: clinical testing. Allele origin: germline.
Comment: This sequence change replaces tyrosine, which is neutral and polar, with cysteine, which is neutral and slightly polar, at codon 1044 of the MSH6 protein (p.Tyr1044Cys). This variant is not present in population databases (gnomAD no frequency). This variant has not been reported in the literature in individuals affected with MSH6-related conditions. ClinVar contains an entry for this variant (Variation ID: 822961). Advanced modeling of protein sequence and biophysical properties (such as structural, functional, and spatial information, amino acid conservation, physicochemical variation, residue mobility, and thermodynamic stability) has been performed at Invitae for this missense variant, however the output from this modeling did not meet the statistical confidence thresholds required to predict the impact of this variant on MSH6 protein function. In summary, the available evidence is currently insufficient to determine the role of this variant in disease. Therefore, it has been classified as a Variant of Uncertain Significance.

Ambry Genetics
Classification: Uncertain significance for Hereditary cancer-predisposing syndrome. Last evaluated: 2018-02-22. Review status: criteria provided, single submitter. Criteria: Ambry Variant Classification Scheme 2023. Collection method: clinical testing. Allele origin: germline.
Comment: The p.Y1044C variant (also known as c.3131A>G), located in coding exon 4 of the MSH6 gene, results from an A to G substitution at nucleotide position 3131. The tyrosine at codon 1044 is replaced by cysteine, an amino acid with highly dissimilar properties. This amino acid position is highly conserved through mammals but not in all available vertebrate species. In addition, this alteration is predicted to be deleterious by in silico analysis. In addition, the CoDP in silico tool predicts this alteration is likely to impair molecular function, with a score of 0.995 (Terui H et al. J. Biomed. Sci. 2013 Apr;20:25). Since supporting evidence is limited at this time, the clinical significance of this alteration remains unclear.

NM_000179.3(MSH6):c.3131A>G (p.Tyr1044Cys)

Gene: MSH6 (mutS homolog 6; plus strand). Cytogenetic location: 2p16.3.
Variant type: single nucleotide variant.
Coding change: c.3131A>G on transcript NM_000179.3 (MANE Select); coding-DNA position 3131, A replaced by G.
Protein change: p.Tyr1044Cys; replaces tyrosine 1044 with cysteine.
Molecular consequence: missense variant.
Genome position (GRCh38, 1-based): chr2:47,801,114, A>G. VCF-style: chr2-47801114-A-G. GRCh37 (hg19) VCF-style: chr2-48028253-A-G.
Other names: c.2741A>G, p.Tyr914Cys (NM_001281492.2); c.2225A>G, p.Tyr742Cys (NM_001281493.2, NM_001281494.2); short protein forms Y1044C, Y914C, Y742C.
Identifiers: ClinVar variation 822961 (VCV000822961.16), dbSNP rs1553414541, ClinGen allele CA346756666.